The following is an entry in ClinVar:

NM_006545.5(NPRL2):c.941_948dup (p.Gly317fs)

Gene: NPRL2 (NPR2 like, GATOR1 complex subunit; minus strand). Cytogenetic location: 3p21.31.
Variant type: Duplication.
Coding change: c.941_948dup on transcript NM_006545.5 (MANE Select); coding-DNA positions 941 to 948, 8 bases duplicated (TCCAGTTC; older notation c.941_948dupTCCAGTTC).
Protein change: p.Gly317fs; shifts the reading frame from glycine 317.
Molecular consequence: frameshift variant.
Genome position (GRCh38, 1-based): chr3:50,347,886-50,347,893, GAACTGGA duplicated on the plus strand (TCCAGTTC on the coding strand, the reverse complement: NPRL2 is on the minus strand). VCF-style (leftmost placement, unchanged base first): chr3-50347885-C-CGAACTGGA. GRCh37 (hg19) VCF-style: chr3-50385316-C-CGAACTGGA.
Other names: short protein forms G317fs.
Identifiers: ClinVar variation 4291119 (VCV004291119.1).

ClinVar aggregate classification (germline): Pathogenic (1 of 4 stars; one submission).

Conditions:
Epilepsy, familial focal, with variable foci 2 (FFEVF2). Identifiers: MedGen C4310709, MONDO:0014924, OMIM 617116.

Submission:

Institute of Human Genetics, University of Leipzig Medical Center
Classification: Pathogenic for Epilepsy, familial focal, with variable foci 2. Last evaluated: 2025-09-16. Review status: criteria provided, single submitter. Criteria: ACMG Guidelines, 2015. Collection method: clinical testing. Allele origin: unknown. Inheritance: Autosomal dominant inheritance. Affected: yes.
Comment: Criteria applied: PVS1,PM2